The following is an entry in ClinVar:

NM_000059.4(BRCA2):c.317-9C>G

Gene: BRCA2 (BRCA2 DNA repair associated; plus strand). Cytogenetic location: 13q13.1.
Variant type: single nucleotide variant.
Coding change: c.317-9C>G on transcript NM_000059.4 (MANE Select); 9 bases into the intron before coding-DNA position 317, C replaced by G.
Molecular consequence: intron variant.
Genome position (GRCh38, 1-based): chr13:32,325,067, C>G. VCF-style: chr13-32325067-C-G. GRCh37 (hg19) VCF-style: chr13-32899204-C-G.
Other names: c.317-9C>G (NM_001406720.1, NM_001406719.1, NM_001406721.1); c.-53-9C>G (NM_001406722.1).
Identifiers: ClinVar variation 2714251 (VCV002714251.3), dbSNP rs1195025862, ClinGen allele CA2697551687.
Genomic context (GRCh38, chr13:32,325,067, plus strand): 5'-CACTTCCAAAGAATGCAAATTTATAATCCAGAGTATATACATTCTCACTGAATTATTGTA[C>G]TGTTTCAGGAAGGAATGTTCCCAATAGTAGACATAAAAGTCTTCGCACAGTGAAAACTAA-3'

ClinVar aggregate classification (germline): Uncertain significance (1 of 4 stars; one submission).

Conditions:
Hereditary breast ovarian cancer syndrome. Also called: Hereditary breast and ovarian cancer syndrome; Hereditary breast and ovarian cancer syndrome (HBOC); Hereditary breast and/or ovarian cancer syndrome; Hereditary breast and ovarian cancer; Breast and ovarian cancer; BRCA1- and BRCA2-Associated Hereditary Breast and Ovarian Cancer. Identifiers: Orphanet 145, MedGen C0677776, MeSH D061325, MONDO:0003582. Disease mechanism: loss of function.

Submission:

Labcorp Genetics (formerly Invitae), Labcorp
Classification: Uncertain significance for Hereditary breast ovarian cancer syndrome. Last evaluated: 2024-01-30. Review status: criteria provided, single submitter. Criteria: Invitae Variant Classification Sherloc (09022015). Collection method: clinical testing. Allele origin: germline.
Comment: This sequence change falls in intron 3 of the BRCA2 gene. It does not directly change the encoded amino acid sequence of the BRCA2 protein. This variant is not present in population databases (gnomAD no frequency). This variant has not been reported in the literature in individuals affected with BRCA2-related conditions. Algorithms developed to predict the effect of sequence changes on RNA splicing suggest that this variant may disrupt the consensus splice site. In summary, the available evidence is currently insufficient to determine the role of this variant in disease. Therefore, it has been classified as a Variant of Uncertain Significance.